The following is an entry in ClinVar:

NM_032444.4(SLX4):c.3663G>A (p.Ala1221=)

Gene: SLX4 (SLX4 structure-specific endonuclease subunit; minus strand). Cytogenetic location: 16p13.3.
Variant type: single nucleotide variant.
Coding change: c.3663G>A on transcript NM_032444.4 (MANE Select); coding-DNA position 3663, G replaced by A.
Protein change: p.Ala1221=; no amino-acid change (alanine 1221 retained).
Molecular consequence: synonymous variant.
Genome position (GRCh38, 1-based): chr16:3,589,975, C>T on the plus strand (G>A on the coding strand, the complement: SLX4 is on the minus strand). VCF-style: chr16-3589975-C-T. GRCh37 (hg19) VCF-style: chr16-3639976-C-T.
Other names: c.3663G>A (LRG_503t1).
Identifiers: ClinVar variation 456311 (VCV000456311.34), dbSNP rs760656992, ClinGen allele CA7865876.

ClinVar aggregate classification (germline): Likely benign. Review status: criteria provided, multiple submitters, no conflicts (2 of 4 stars). 2 submissions from 2 submitters: Likely benign (2). Last evaluated 2025-11-22.

Conditions:
Fanconi anemia (FA). Also called: Fanconi's anemia. Identifiers: Orphanet 84, MedGen C0015625, MeSH D005199, MONDO:0019391.

Allele frequency attached by ClinVar (database versions not stated): gnomAD 0.00002 and 0.00029; gnomAD exomes 0.00003 and 0.00007; ExAC 0.00005; TOPMed 0.00036.
gnomAD v4.1: 81 of 1,613,944 alleles (0.005%); highest among the groups gnomAD compares: East Asian, 0.058%; no homozygotes.

Submissions (2):

Labcorp Genetics (formerly Invitae), Labcorp
Classification: Likely benign for Fanconi anemia. Last evaluated: 2025-11-22. Review status: criteria provided, single submitter. Criteria: Invitae Variant Classification Sherloc (09022015). Collection method: clinical testing. Allele origin: germline.

CeGaT Center for Human Genetics Tuebingen
Classification: Likely benign. Last evaluated: 2023-01-01. Review status: criteria provided, single submitter. Criteria: CeGaT Center For Human Genetics Tuebingen Variant Classification Criteria Version 2. Collection method: clinical testing. Allele origin: germline. Affected: yes. Observed: 1 variant allele.
Comment: SLX4: BP4, BP7